The following is an entry in ClinVar:

ClinVar aggregate classification (germline): Pathogenic (1 of 4 stars; one submission).

Conditions:
Inherited breast cancer and ovarian cancer.

Submission:

Genetics Laboratory, Great Ormond Street Hospital NHS Foundation Trust, North Thames Genomic Laboratory Hub
Classification: Pathogenic for Inherited breast cancer and ovarian cancer. Last evaluated: 2026-05-29. Review status: criteria provided, single submitter. Criteria: CanVIG PALB2 Gene Specific V1.2. Collection method: clinical testing. Allele origin: germline. Affected: yes.
Comment: PM2_supporting, PVS1_very-strong, PM5_supporting

NM_024675.4(PALB2):c.764_767dup (p.Ser256delinsArgTer)

Gene: PALB2 (partner and localizer of BRCA2; minus strand). Cytogenetic location: 16p12.2.
Variant type: Duplication.
Coding change: c.764_767dup on transcript NM_024675.4 (MANE Select); coding-DNA positions 764 to 767, 4 bases duplicated (ATAG; older notation c.764_767dupATAG).
Protein change: p.Ser256delinsArgTer.
Molecular consequence: nonsense. On other transcripts: 5 prime UTR variant (8), intron variant (3).
Genome position (GRCh38, 1-based): chr16:23,635,779-23,635,782, CTAT duplicated on the plus strand (ATAG on the coding strand, the reverse complement: PALB2 is on the minus strand); duplicating any 4 consecutive bases within chr16:23,635,779-23,635,784 gives the same sequence; the c. name uses the placement nearest the transcript's 3' end. VCF-style (leftmost placement, unchanged base first): chr16-23635778-G-GCTAT. GRCh37 (hg19) VCF-style: chr16-23647099-G-GCTAT.
Other names: c.704_707dup, p.Ser236delinsArgTer (NM_001407296.1); c.764_767dup, p.Ser256delinsArgTer (NM_001407297.1, NM_001407298.1, NM_001407299.1 and 3 more transcripts); c.-122_-119dup (NM_001407304.1, NM_001407305.1, NM_001407306.1 and 5 more transcripts); c.48+5328_48+5331dup (NM_001407314.1); c.-104-5313_-104-5310dup (NM_001407313.1, NM_001407312.1).
Identifiers: ClinVar variation 4876752 (VCV004876752.1).
Genomic context (GRCh38, chr16:23,635,778, plus strand): 5'-GTGAGTAGTAAGTTCACTGCTACCTTTAGGAGGAATGTGTTCAAGGTGCTGACTACTACC[G>GCTAT]CTATCTGATAGAGTCTGTAAAGGAACTGTAGTCGCCCTGGTGAAATTAGGTCTTCTTAGG-3'